The following is an entry in ClinVar:

ClinVar aggregate classification (germline): Pathogenic (1 of 4 stars; one submission).

Submission:

ISCA site 4
Classification: Pathogenic. Last evaluated: 2011-08-12. Review status: criteria provided, single submitter. Criteria: Kaminsky et al. (Genet Med. 2011). Collection method: clinical testing. Allele origin: unknown. Affected: yes. Observed: 1 variant allele.
Comment: Copy number variation identified through the course of routine clinical cytogenomic testing in postnatal populations. Clinical assertions have been curated as described in Kaminsky et al. 2011.

GRCh38/hg38 17q11.2(chr17:30706864-31999939)x1

Genes: ADAP2 (ArfGAP with dual PH domains 2; plus strand), ATAD5 (ATPase family AAA domain containing 5; plus strand), COPRS (coordinator of PRMT5 and differentiation stimulator; minus strand), CRLF3 (cytokine receptor like factor 3; minus strand), EVI2A (ecotropic viral integration site 2A; minus strand) and 62 more. Cytogenetic location: 17q11.2.
Variant type: copy number loss.
Change: copy number 1 (one copy instead of two) of chr17:30,706,864-31,999,939 (1.29 Mb, GRCh38 coordinates, 1-based), cytogenetic band 17q11.2.
Identifiers: ClinVar variation 160878 (VCV000160878.1).